The following is an entry in ClinVar:

NM_033448.3(KRT71):c.26C>G (p.Ser9Trp)

Gene: KRT71 (keratin 71; minus strand). Cytogenetic location: 12q13.13.
Variant type: single nucleotide variant.
Coding change: c.26C>G on transcript NM_033448.3 (MANE Select); coding-DNA position 26, C replaced by G.
Protein change: p.Ser9Trp; replaces serine 9 with tryptophan.
Molecular consequence: missense variant.
Genome position (GRCh38, 1-based): chr12:52,553,052, G>C on the plus strand (C>G on the coding strand, the complement: KRT71 is on the minus strand). VCF-style: chr12-52553052-G-C. GRCh37 (hg19) VCF-style: chr12-52946836-G-C.
Other names: short protein forms S9W.
Identifiers: ClinVar variation 4804769 (VCV004804769.1).

ClinVar aggregate classification (germline): Uncertain significance (1 of 4 stars; one submission).

gnomAD v4.1: 7 of 1,586,912 alleles (0.00044%); highest among the groups gnomAD compares: Non-Finnish European, 0.0006%; no homozygotes.

Submission:

Labcorp Genetics (formerly Invitae), Labcorp
Classification: Uncertain significance. Last evaluated: 2025-06-06. Review status: criteria provided, single submitter. Criteria: Invitae Variant Classification Sherloc (09022015). Collection method: clinical testing. Allele origin: germline.
Comment: This sequence change replaces serine, which is neutral and polar, with tryptophan, which is neutral and slightly polar, at codon 9 of the KRT71 protein (p.Ser9Trp). This variant is present in population databases (no rsID available, gnomAD 0.001%). This variant has not been reported in the literature in individuals affected with KRT71-related conditions. An algorithm developed to predict the effect of missense changes on protein structure and function (PolyPhen-2) suggests that this variant is likely to be disruptive. In summary, the available evidence is currently insufficient to determine the role of this variant in disease. Therefore, it has been classified as a Variant of Uncertain Significance.